The following is an entry in ClinVar:

NM_001170535.3(ATAD3A):c.1589T>A (p.Ile530Asn)

Gene: ATAD3A (ATPase family AAA domain containing 3A; plus strand). Cytogenetic location: 1p36.33.
Variant type: single nucleotide variant.
Coding change: c.1589T>A on transcript NM_001170535.3 (MANE Select); coding-DNA position 1589, T replaced by A.
Protein change: p.Ile530Asn; replaces isoleucine 530 with asparagine.
Molecular consequence: missense variant.
Genome position (GRCh38, 1-based): chr1:1,529,306, T>A. VCF-style: chr1-1529306-T-A. GRCh37 (hg19) VCF-style: chr1-1464686-T-A.
Other names: c.1352T>A, p.Ile451Asn (NM_001170536.3); c.1733T>A, p.Ile578Asn (NM_018188.5); short protein forms I451N, I530N, I578N.
Identifiers: ClinVar variation 3377509 (VCV003377509.1).

ClinVar aggregate classification (germline): Uncertain significance (1 of 4 stars; one submission).

Conditions:
Harel-Yoon syndrome (HAYOS). Also called: Optic atrophy-peripheral neuropathy-developmental delay syndrome. Identifiers: Orphanet 496790, MedGen C4310677, MONDO:0014958, OMIM 617183.

Submission:

Victorian Clinical Genetics Services, Murdoch Childrens Research Institute
Classification: Uncertain significance for Harel-Yoon syndrome. Last evaluated: 2022-06-24. Review status: criteria provided, single submitter. Criteria: ACMG Guidelines, 2015. Collection method: clinical testing. Allele origin: germline. Inheritance: Autosomal dominant inheritance.
Comment: Based on the classification scheme VCGS_Germline_v1.3.4, this variant is classified as VUS-3B. Following criteria are met: 0103 - Dominant negative and loss of function are known mechanisms of disease in this gene and are associated with autosomal dominant Harel-Yoon syndrome (MIM#617183) and autosomal recessive pontocerebellar hypoplasia, hypotonia, and respiratory insufficiency syndrome, neonatal lethal (MIM#618810), respectively. (I) 0108 - This gene is associated with both recessive and dominant disease. (I) 0200 - Variant is predicted to result in a missense amino acid change from isoleucine to asparagine. (I) 0251 - This variant is heterozygous. (I) 0301 - Variant is absent from gnomAD (both v2 and v3). (SP) 0309 - An alternative amino acid change at the same position has been observed in gnomAD (highest allele count: v2: 29 heterozygotes, 0 homozygotes). (I) 0501 - Missense variant consistently predicted to be damaging by multiple in silico tools or highly conserved with a major amino acid change. (SP) 0604 - Variant is not located in an established domain, motif, hotspot or informative constraint region. (I) 0705 - No comparable missense variants have previous evidence for pathogenicity. (I) 0807 - This variant has no previous evidence of pathogenicity. (I) 0905 - No published segregation evidence has been identified for this variant. (I) 1007 - No published functional evidence has been identified for this variant. (I) 1208 - Inheritance information for this variant is not currently available in this individual. (I) Legend: (SP) - Supporting pathogenic, (I) - Information, (SB) - Supporting benign